The following is an entry in ClinVar:

NM_021076.4(NEFH):c.673G>A (p.Glu225Lys)

Gene: NEFH (neurofilament heavy chain; plus strand). Cytogenetic location: 22q12.2.
Variant type: single nucleotide variant.
Coding change: c.673G>A on transcript NM_021076.4 (MANE Select); coding-DNA position 673, G replaced by A.
Protein change: p.Glu225Lys; replaces glutamic acid 225 with lysine.
Molecular consequence: missense variant.
Genome position (GRCh38, 1-based): chr22:29,480,935, G>A. VCF-style: chr22-29480935-G-A. GRCh37 (hg19) VCF-style: chr22-29876924-G-A.
Other names: short protein forms E225K.
Identifiers: ClinVar variation 1481770 (VCV001481770.6), dbSNP rs1418677598, ClinGen allele CA411123593.

ClinVar aggregate classification (germline): Uncertain significance (1 of 4 stars; one submission).

Allele frequency attached by ClinVar (database versions not stated): TOPMed below 0.00001; gnomAD 0.00001.

Submission:

Labcorp Genetics (formerly Invitae), Labcorp
Classification: Uncertain significance. Last evaluated: 2024-07-17. Review status: criteria provided, single submitter. Criteria: Invitae Variant Classification Sherloc (09022015). Collection method: clinical testing. Allele origin: germline.
Comment: This sequence change replaces glutamic acid, which is acidic and polar, with lysine, which is basic and polar, at codon 225 of the NEFH protein (p.Glu225Lys). This variant is not present in population databases (gnomAD no frequency). This variant has not been reported in the literature in individuals affected with NEFH-related conditions. ClinVar contains an entry for this variant (Variation ID: 1481770). Advanced modeling of protein sequence and biophysical properties (such as structural, functional, and spatial information, amino acid conservation, physicochemical variation, residue mobility, and thermodynamic stability) performed at Invitae indicates that this missense variant is not expected to disrupt NEFH protein function with a negative predictive value of 95%. In summary, the available evidence is currently insufficient to determine the role of this variant in disease. Therefore, it has been classified as a Variant of Uncertain Significance.